The following is an entry in ClinVar:

NM_001365999.1(SZT2):c.7474C>T (p.Arg2492Trp)

Gene: SZT2 (SZT2 subunit of KICSTOR complex; plus strand). Cytogenetic location: 1p34.2.
Variant type: single nucleotide variant.
Coding change: c.7474C>T on transcript NM_001365999.1 (MANE Select); coding-DNA position 7474, C replaced by T.
Protein change: p.Arg2492Trp; replaces arginine 2492 with tryptophan.
Molecular consequence: missense variant.
Genome position (GRCh38, 1-based): chr1:43,441,343, C>T. VCF-style: chr1-43441343-C-T. GRCh37 (hg19) VCF-style: chr1-43907014-C-T.
Other names: c.7303C>T, p.Arg2435Trp (NM_015284.4); short protein forms R2435W, R2492W.
Identifiers: ClinVar variation 589892 (VCV000589892.25), dbSNP rs373062274, ClinGen allele CA810231.

ClinVar aggregate classification (germline): Conflicting classifications of pathogenicity. Review status: criteria provided, conflicting classifications (1 of 4 stars). 8 submissions from 8 submitters: Uncertain significance (3); Likely benign (4). 1 of the submissions does not count toward it. Last evaluated 2026-05-18.

Conditions:
Developmental and epileptic encephalopathy, 18 (DEE18). Also called: Early infantile epileptic encephalopathy 18. Identifiers: Orphanet 369894, MedGen C3809624, MONDO:0014201, OMIM 615476.
Inborn genetic diseases. Identifiers: MedGen C0950123, MeSH D030342.

Allele frequency attached by ClinVar (database versions not stated): gnomAD 0.00007 and 0.00019; ESP Exome Variant Server 0.00008; TOPMed 0.00010; gnomAD exomes 0.00026 and 0.00036; ExAC 0.00034; 1000 Genomes Project 30x 0.00047; 1000 Genomes Project 0.00060.

Submissions (8):

Ambry Genetics
Classification: Likely benign for Inborn genetic diseases. Last evaluated: 2026-05-18. Review status: criteria provided, single submitter. Criteria: Ambry Variant Classification Scheme 2023. Collection method: clinical testing. Allele origin: germline.

Labcorp Genetics (formerly Invitae), Labcorp
Classification: Likely benign. Last evaluated: 2025-11-12. Review status: criteria provided, single submitter. Criteria: Invitae Variant Classification Sherloc (09022015). Collection method: clinical testing. Allele origin: germline.

Blueprint Genetics
Classification: Likely benign. Last evaluated: 2024-11-11. Review status: criteria provided, single submitter. Criteria: ACMG Guidelines, 2015. Collection method: clinical testing. Allele origin: germline.

Victorian Clinical Genetics Services, Murdoch Childrens Research Institute
Classification: Uncertain significance for Developmental and epileptic encephalopathy, 18. Last evaluated: 2023-12-21. Review status: criteria provided, single submitter. Criteria: ACMG Guidelines, 2015. Collection method: clinical testing. Allele origin: germline. Inheritance: Autosomal recessive inheritance. Affected: yes.
Comment: Based on the classification scheme VCGS_Germline_v1.3.4, this variant is classified as VUS-3C. Following criteria are met: 0102 - Loss of function is a known mechanism of disease in this gene and is associated with developmental and epileptic encephalopathy 18 (MIM#615476). (I) 0106 - This gene is associated with autosomal recessive disease. (I) 0200 - Variant is predicted to result in a missense amino acid change from arginine to tryptophan. (I) 0251 - This variant is heterozygous. (I) 0304 - Variant is present in gnomAD (v2) <0.01 for a recessive condition (89 heterozygotes, 1 homozygote). (SP) 0309 - An alternative amino acid change at the same position has been observed in gnomAD (v2) (2 heterozygotes, 0 homozygotes). (I) 0502 - Missense variant with conflicting in silico predictions and uninformative conservation. (I) 0604 - Variant is not located in an established domain, motif, hotspot or informative constraint region. (I) 0710 - Another missense variant comparable to the one identified in this case has inconclusive previous evidence for pathogenicity. This alternative change (p.(Arg2435Gln)) has been reported as a VUS (ClinVar). (I) 0808 - Previous reports of pathogenicity for this variant are conflicting. This variant has been reported as likely benign, and as a VUS (ClinVar, LOVD). It has also been observed in a single compound heterozygous individual with features including tonic spasms, microcephaly and early onset epileptic encephalopathy (PMID: 28556953). (I) 0905 - No published segregation evidence has been identified for this variant. (I) 1007 - No published functional evidence has been identified for this variant. (I) Legend: (SP) - Supporting pathogenic, (I) - Information, (SB) - Supporting benign

Department of Pathology and Laboratory Medicine, Sinai Health System
Classification: Uncertain significance for Developmental and epileptic encephalopathy, 18. Last evaluated: 2022-02-09. Review status: criteria provided, single submitter. Criteria: ACMG Guidelines, 2015. Collection method: research. Allele origin: germline.

Revvity Omics, Revvity
Classification: Uncertain significance for Developmental and epileptic encephalopathy, 18. Last evaluated: 2022-01-18. Review status: criteria provided, single submitter. Criteria: ACMG Guidelines, 2015. Collection method: clinical testing. Allele origin: germline.

GeneDx
Classification: Likely benign. Last evaluated: 2020-04-07. Review status: criteria provided, single submitter. Criteria: GeneDx Variant Classification Process June 2021. Collection method: clinical testing. Allele origin: germline. Affected: yes.
Comment: See Variant Classification Assertion Criteria.

OMIM
Classification: Pathogenic for DEVELOPMENTAL AND EPILEPTIC ENCEPHALOPATHY 18. Last evaluated: 2021-02-19. Review status: no assertion criteria provided. Collection method: literature only. Allele origin: germline. Not counted in ClinVar's aggregate classification.

Literature cited by the submitters: PubMed 28556953 (cited by Victorian Clinical Genetics Services, Murdoch Childrens Research Institute and OMIM).